The following is an entry in ClinVar:

ClinVar aggregate classification (germline): Uncertain significance (1 of 4 stars; one submission).

Submission:

GeneDx
Classification: Uncertain significance. Last evaluated: 2023-03-08. Review status: criteria provided, single submitter. Criteria: GeneDx Variant Classification Process June 2021. Collection method: clinical testing. Allele origin: germline. Affected: yes.
Comment: Not observed at significant frequency in large population cohorts (gnomAD); In silico analysis supports that this missense variant does not alter protein structure/function; Has not been previously published as pathogenic or benign to our knowledge

NM_003036.4(SKI):c.1547C>A (p.Pro516Gln)

Gene: SKI (SKI proto-oncogene; plus strand). Cytogenetic location: 1p36.32.
Variant type: single nucleotide variant.
Coding change: c.1547C>A on transcript NM_003036.4 (MANE Select); coding-DNA position 1547, C replaced by A.
Protein change: p.Pro516Gln; replaces proline 516 with glutamine.
Molecular consequence: missense variant.
Genome position (GRCh38, 1-based): chr1:2,304,365, C>A. VCF-style: chr1-2304365-C-A. GRCh37 (hg19) VCF-style: chr1-2235804-C-A.
Other names: short protein forms P516Q.
Identifiers: ClinVar variation 2579361 (VCV002579361.1), dbSNP rs781193859, ClinGen allele CA337957209.